The following is an entry in ClinVar:

ClinVar aggregate classification (germline): Likely pathogenic (1 of 4 stars; one submission).

Conditions:
Mucopolysaccharidosis, MPS-III-C (MPS3C). Also called: MUCOPOLYSACCHARIDOSIS, TYPE IIIC; Mucopolysaccharidosis type IIIC (Sanfilippo C); SANFILIPPO SYNDROME C; MPS III C; mucopolysaccharidosis type 3C; MPS IIIC (Sanfilippo Syndrome Type C). Identifiers: Orphanet 581, Orphanet 79271, MedGen C0086649, MONDO:0009657, OMIM 252930.

Submission:

Myriad Genetics, Inc.
Classification: Likely pathogenic for Mucopolysaccharidosis, MPS-III-C. Last evaluated: 2022-02-25. Review status: criteria provided, single submitter. Criteria: Myriad Women's Health Autosomal Recessive and X-Linked Classification Criteria (2021). Collection method: clinical testing. Allele origin: unknown.
Comment: NM_152419.2(HGSNAT):c.567_568delGGinsT(L189Ffs*12) is expected to be pathogenic in the context of mucopolysaccharidosis type IIIC. This variant is predicted to lead to an abnormal or absent protein product due to the creation of a premature termination codon in HGSNAT, a gene where loss-of-function variants are known to be pathogenic. Please note: this variant was assessed in the context of healthy population screening.

NM_152419.3(HGSNAT):c.567_568delinsT (p.Leu189fs)

Gene: HGSNAT (heparan-alpha-glucosaminide N-acetyltransferase; plus strand). Cytogenetic location: 8p11.21.
Variant type: Indel.
Coding change: c.567_568delinsT on transcript NM_152419.3 (MANE Select); coding-DNA positions 567 to 568, GG replaced by T.
Protein change: p.Leu189fs; shifts the reading frame from leucine 189.
Molecular consequence: frameshift variant. On other transcripts: 5 prime UTR variant (1).
Genome position (GRCh38, 1-based): chr8:43,169,176-43,169,177, GG replaced by T. VCF-style: chr8-43169176-GG-T. GRCh37 (hg19) VCF-style: chr8-43024319-GG-T.
Other names: c.567_568delinsT, p.Leu189fs (NM_001363227.2, NM_001363228.2); c.-267_-266delinsT (NM_001363229.2); short protein forms L189fs.
Identifiers: ClinVar variation 1724723 (VCV001724723.2), dbSNP rs2486955614, ClinGen allele CA2580078378.